The following is an entry in ClinVar:

NC_000006.11:g.(?_64694256)_(64694516_?)del

Gene: EYS (eyes shut homolog; minus strand). Cytogenetic location: 6q12.
Variant type: Deletion.
Identifiers: ClinVar variation 2423868 (VCV002423868.2).

ClinVar aggregate classification (germline): Pathogenic (1 of 4 stars; one submission).

Submission:

Labcorp Genetics (formerly Invitae), Labcorp
Classification: Pathogenic. Last evaluated: 2022-01-03. Review status: criteria provided, single submitter. Criteria: Invitae Variant Classification Sherloc (09022015). Collection method: clinical testing. Allele origin: germline.
Comment: This variant is a gross deletion of the genomic region encompassing exon(s) 35 of the EYS gene. This deletion is out-of-frame, and is expected to create a premature termination codon and result in an absent or disrupted protein product. Loss-of-function variants in EYS are known to be pathogenic (PMID: 18836446, 20333770). This variant has not been reported in the literature in individuals affected with EYS-related conditions. For these reasons, this variant has been classified as Pathogenic.

Literature cited by the submitters: PubMed 18836446; PubMed 20333770.